The following is an entry in ClinVar:

NM_006012.4(CLPP):c.121G>C (p.Gly41Arg)

Gene: CLPP (caseinolytic mitochondrial matrix peptidase proteolytic subunit; plus strand). Cytogenetic location: 19p13.3.
Variant type: single nucleotide variant.
Coding change: c.121G>C on transcript NM_006012.4 (MANE Select); coding-DNA position 121, G replaced by C.
Protein change: p.Gly41Arg; replaces glycine 41 with arginine.
Molecular consequence: missense variant.
Genome position (GRCh38, 1-based): chr19:6,361,695, G>C. VCF-style: chr19-6361695-G-C. GRCh37 (hg19) VCF-style: chr19-6361706-G-C.
Other names: short protein forms G41R.
Identifiers: ClinVar variation 1478498 (VCV001478498.6), dbSNP rs1163436990, ClinGen allele CA403586308.
Genomic context (GRCh38, chr19:6,361,695, plus strand): 5'-GGGCCTCGCCTCGCCGCTCACTTTCCAGCGCAGCGGCCGCCGCAGCGGACACTCCAGAAC[G>C]GCCTGGCCCTGCAGCGGTGCCTGCACGCGACGGCGACCCGGGCTCTCCCGCTCATTCCCA-3'
Protein context (NP_006003.1, residues 31-51): QRPPQRTLQN[Gly41Arg]LALQRCLHAT

ClinVar aggregate classification (germline): Uncertain significance (1 of 4 stars; one submission).

gnomAD v4.1: 2 of 1,494,870 alleles (0.00013%); highest among the groups gnomAD compares: Non-Finnish European, 0.00018%; no homozygotes.

Submission:

Labcorp Genetics (formerly Invitae), Labcorp
Classification: Uncertain significance. Last evaluated: 2021-10-02. Review status: criteria provided, single submitter. Criteria: Invitae Variant Classification Sherloc (09022015). Collection method: clinical testing. Allele origin: germline.
Comment: In summary, the available evidence is currently insufficient to determine the role of this variant in disease. Therefore, it has been classified as a Variant of Uncertain Significance. Algorithms developed to predict the effect of missense changes on protein structure and function output the following: SIFT: "Tolerated"; PolyPhen-2: "Benign"; Align-GVGD: "Class C0". The arginine amino acid residue is found in multiple mammalian species, which suggests that this missense change does not adversely affect protein function. This variant has not been reported in the literature in individuals affected with CLPP-related conditions. The frequency data for this variant in the population databases is considered unreliable, as metrics indicate insufficient coverage at this position in the ExAC database. This sequence change replaces glycine with arginine at codon 41 of the CLPP protein (p.Gly41Arg). The glycine residue is weakly conserved and there is a moderate physicochemical difference between glycine and arginine.